The following is an entry in ClinVar:

NM_004521.3(KIF5B):c.2602C>T (p.Arg868Ter)

Gene: KIF5B (kinesin family member 5B; minus strand). Cytogenetic location: 10p11.22.
Variant type: single nucleotide variant.
Coding change: c.2602C>T on transcript NM_004521.3 (MANE Select); coding-DNA position 2602, C replaced by T.
Protein change: p.Arg868Ter; replaces arginine 868 with a stop codon.
Molecular consequence: nonsense.
Genome position (GRCh38, 1-based): chr10:32,017,302, G>A on the plus strand (C>T on the coding strand, the complement: KIF5B is on the minus strand). VCF-style: chr10-32017302-G-A. GRCh37 (hg19) VCF-style: chr10-32306230-G-A.
Other names: short protein forms R868*.
Identifiers: ClinVar variation 5016787 (VCV005016787.1).

ClinVar aggregate classification (germline): Uncertain significance (1 of 4 stars; one submission).

gnomAD v4.1: 2 of 1,614,156 alleles (0.00012%); highest among the groups gnomAD compares: Non-Finnish European, 0.00017%; no homozygotes.

Submission:

GeneDx
Classification: Uncertain significance. Last evaluated: 2026-03-25. Review status: criteria provided, single submitter. Criteria: GeneDx Variant Classification Process June 2021. Collection method: clinical testing. Allele origin: germline.
Comment: Not observed at significant frequency in large population cohorts (gnomAD); Nonsense variant predicted to result in protein truncation or nonsense mediated decay in a gene or region of a gene for which loss of function is not a well-established mechanism of disease; This variant is associated with the following publications: (PMID: 33809641)